The following is an entry in ClinVar:

NM_001059.3(TACR3):c.686G>C (p.Gly229Ala)

Gene: TACR3 (tachykinin receptor 3; minus strand). Cytogenetic location: 4q24.
Variant type: single nucleotide variant.
Coding change: c.686G>C on transcript NM_001059.3 (MANE Select); coding-DNA position 686, G replaced by C.
Protein change: p.Gly229Ala; replaces glycine 229 with alanine.
Molecular consequence: missense variant.
Genome position (GRCh38, 1-based): chr4:103,658,266, C>G on the plus strand (G>C on the coding strand, the complement: TACR3 is on the minus strand). VCF-style: chr4-103658266-C-G. GRCh37 (hg19) VCF-style: chr4-104579423-C-G.
Other names: short protein forms G229A.
Identifiers: ClinVar variation 3781273 (VCV003781273.1).

ClinVar aggregate classification (germline): Uncertain significance (1 of 4 stars; one submission).

gnomAD v4.1: 4 of 1,613,916 alleles (0.00025%); highest among the groups gnomAD compares: Non-Finnish European, 0.00034%; no homozygotes.

Submission:

GeneDx
Classification: Uncertain significance. Last evaluated: 2024-10-17. Review status: criteria provided, single submitter. Criteria: GeneDx Variant Classification Process June 2021. Collection method: clinical testing. Allele origin: germline. Affected: yes.
Comment: Not observed at significant frequency in large population cohorts (gnomAD); In silico analysis indicates that this missense variant does not alter protein structure/function; Has not been previously published as pathogenic or benign to our knowledge